The following is an entry in ClinVar:

ClinVar aggregate classification (germline): Uncertain significance (1 of 4 stars; one submission).

Submission:

Labcorp Genetics (formerly Invitae), Labcorp
Classification: Uncertain significance. Last evaluated: 2025-02-01. Review status: criteria provided, single submitter. Criteria: Invitae Variant Classification Sherloc (09022015). Collection method: clinical testing. Allele origin: germline.
Comment: This sequence change replaces serine, which is neutral and polar, with proline, which is neutral and non-polar, at codon 242 of the KMT2A protein (p.Ser242Pro). This variant is not present in population databases (gnomAD no frequency). This variant has not been reported in the literature in individuals affected with KMT2A-related conditions. Invitae Evidence Modeling of protein sequence and biophysical properties (such as structural, functional, and spatial information, amino acid conservation, physicochemical variation, residue mobility, and thermodynamic stability) indicates that this missense variant is not expected to disrupt KMT2A protein function with a negative predictive value of 95%. In summary, the available evidence is currently insufficient to determine the role of this variant in disease. Therefore, it has been classified as a Variant of Uncertain Significance.

NM_001197104.2(KMT2A):c.724T>C (p.Ser242Pro)

Gene: KMT2A (lysine methyltransferase 2A; plus strand). Cytogenetic location: 11q23.3.
Variant type: single nucleotide variant.
Coding change: c.724T>C on transcript NM_001197104.2 (MANE Select); coding-DNA position 724, T replaced by C.
Protein change: p.Ser242Pro; replaces serine 242 with proline.
Molecular consequence: missense variant.
Genome position (GRCh38, 1-based): chr11:118,471,883, T>C. VCF-style: chr11-118471883-T-C. GRCh37 (hg19) VCF-style: chr11-118342598-T-C.
Other names: c.823T>C, p.Ser275Pro (NM_001412597.1); c.724T>C, p.Ser242Pro (NM_005933.4); short protein forms S275P, S242P.
Identifiers: ClinVar variation 3634297 (VCV003634297.2).
Genomic context (GRCh38, chr11:118,471,883, plus strand): 5'-AGAGGAAGACCTCCCACCTTCCCTGGAGTAAAAATCAAAATAACACATGGAAAGGACATT[T>C]CAGAGTTACCAAAGGGAAACAAAGAAGATAGCCTGAAAAAAATTAAAAGGACACCTTCTG-3'
Protein context (NP_001184033.1, residues 232-252): KIKITHGKDI[Ser242Pro]ELPKGNKEDS